The following is an entry in ClinVar:

ClinVar aggregate classification (germline): Uncertain significance (1 of 4 stars; one submission).

gnomAD v4.1: 82 of 1,609,780 alleles (0.0051%); highest among the groups gnomAD compares: Admixed American, 0.013%; no homozygotes.

Submission:

Labcorp Genetics (formerly Invitae), Labcorp
Classification: Uncertain significance. Last evaluated: 2025-05-21. Review status: criteria provided, single submitter. Criteria: Invitae Variant Classification Sherloc (09022015). Collection method: clinical testing. Allele origin: germline.
Comment: This sequence change replaces arginine, which is basic and polar, with cysteine, which is neutral and slightly polar, at codon 43 of the LSR protein (p.Arg43Cys). This variant is present in population databases (rs373881394, gnomAD 0.01%). This variant has not been reported in the literature in individuals affected with LSR-related conditions. An algorithm developed to predict the effect of missense changes on protein structure and function (PolyPhen-2) suggests that this variant is likely to be tolerated. In summary, the available evidence is currently insufficient to determine the role of this variant in disease. Therefore, it has been classified as a Variant of Uncertain Significance.

NM_205834.4(LSR):c.-18C>T

Gene: LSR (lipolysis stimulated lipoprotein receptor; plus strand). Cytogenetic location: 19q13.12.
Variant type: single nucleotide variant.
Coding change: c.-18C>T on transcript NM_205834.4 (MANE Select); 18 bases upstream of the start codon, C replaced by T.
Molecular consequence: 5 prime UTR variant.
Genome position (GRCh38, 1-based): chr19:35,249,005, C>T. VCF-style: chr19-35249005-C-T. GRCh37 (hg19) VCF-style: chr19-35739908-C-T.
Other names: c.-18C>T (NM_001260489.2, NM_001260490.2, NM_001385215.1 and 2 more transcripts).
Identifiers: ClinVar variation 4707276 (VCV004707276.1).